The following is an entry in ClinVar:

ClinVar aggregate classification (germline): Likely benign (1 of 4 stars; one submission).

Conditions:
PCSK1-related disorder. Also called: PCSK1-related condition.

gnomAD v4.1: 4 of 1,606,314 alleles (0.00025%); highest among the groups gnomAD compares: Non-Finnish European, 0.00034%; no homozygotes.

Submission:

PreventionGenetics, part of Exact Sciences
Classification: Likely benign for PCSK1-related condition. Last evaluated: 2025-11-25. Review status: criteria provided, single submitter. Criteria: ACMG Guidelines, 2015. Collection method: clinical testing. Allele origin: germline.
Comment: This variant is classified as likely benign based on ACMG/AMP sequence variant interpretation guidelines (Richards et al. 2015 PMID: 25741868, with internal and published modifications).

NM_000439.5(PCSK1):c.1196+6G>T

Genes: CAST (calpastatin; plus strand), PCSK1 (proprotein convertase subtilisin/kexin type 1; minus strand), LOC101929710 (uncharacterized LOC101929710; plus strand). Cytogenetic location: 5q15.
Variant type: single nucleotide variant.
Coding change: c.1196+6G>T on transcript NM_000439.5 (MANE Select); 6 bases into the intron after coding-DNA position 1196, G replaced by T.
Molecular consequence: intron variant.
Genome position (GRCh38, 1-based): chr5:96,408,217, C>A on the plus strand (G>T on the coding strand, the complement: PCSK1 is on the minus strand). VCF-style: chr5-96408217-C-A. GRCh37 (hg19) VCF-style: chr5-95743921-C-A.
Other names: c.-175+28565C>A (NM_001423254.1, NM_001423259.1, NM_001423255.1 and 6 more transcripts); c.-103+28565C>A (NM_001423253.1); c.-40+28565C>A (NM_001423258.1); c.1055+6G>T (NM_001177875.2).
Identifiers: ClinVar variation 4989027 (VCV004989027.1).